The following is an entry in ClinVar:

ClinVar aggregate classification (germline): Uncertain significance (1 of 4 stars; one submission).

Submission:

CeGaT Center for Human Genetics Tuebingen
Classification: Uncertain significance. Last evaluated: 2023-02-01. Review status: criteria provided, single submitter. Criteria: CeGaT Center For Human Genetics Tuebingen Variant Classification Criteria Version 2. Collection method: clinical testing. Allele origin: germline. Affected: yes. Observed: 1 variant allele.
Comment: TRIO: PM2

NM_007118.4(TRIO):c.8079G>T (p.Glu2693Asp)

Genes: TRIO (trio Rho guanine nucleotide exchange factor; plus strand), LOC126807323 (CDK7 strongly-dependent group 2 enhancer GRCh37_chr5:14497716-14498915; plus strand). Cytogenetic location: 5p15.2.
Variant type: single nucleotide variant.
Coding change: c.8079G>T on transcript NM_007118.4 (MANE Select); coding-DNA position 8079, G replaced by T.
Protein change: p.Glu2693Asp; replaces glutamic acid 2693 with aspartic acid.
Molecular consequence: missense variant. On other transcripts: non-coding transcript variant (1).
Genome position (GRCh38, 1-based): chr5:14,498,120, G>T. VCF-style: chr5-14498120-G-T. GRCh37 (hg19) VCF-style: chr5-14498229-G-T.
Other names: short protein forms E2693D.
Identifiers: ClinVar variation 2655357 (VCV002655357.24), dbSNP rs767071856, ClinGen allele CA359239129.